The following is an entry in ClinVar:

ClinVar aggregate classification (germline): Uncertain significance. Review status: criteria provided, multiple submitters, no conflicts (2 of 4 stars). 2 submissions from 2 submitters: Uncertain significance (2). Last evaluated 2022-03-07.

Allele frequency attached by ClinVar (database versions not stated): gnomAD exomes below 0.00001.
gnomAD v4.1: 5 of 1,612,374 alleles (0.00031%); highest among the groups gnomAD compares: Non-Finnish European, 0.00042%; no homozygotes.

Submissions (2):

GeneDx
Classification: Uncertain significance. Last evaluated: 2022-03-07. Review status: criteria provided, single submitter. Criteria: GeneDx Variant Classification Process June 2021. Collection method: clinical testing. Allele origin: germline. Affected: yes.
Comment: Not observed at significant frequency in large population cohorts (gnomAD); In silico analysis supports that this missense variant does not alter protein structure/function; However, in silico analysis supports a deleterious effect on splicing. In the absence of RNA/functional studies, the actual effect of this sequence change is unknown.; Has not been previously published as pathogenic or benign to our knowledge; This variant is associated with the following publications: (PMID: 26556829)

Blueprint Genetics
Classification: Uncertain significance. Last evaluated: 2018-09-17. Review status: criteria provided, single submitter. Criteria: ACMG Guidelines, 2015. Collection method: clinical testing. Allele origin: germline.

NM_025137.4(SPG11):c.2443A>G (p.Arg815Gly)

Gene: SPG11 (SPG11 vesicle trafficking associated, spatacsin; minus strand). Cytogenetic location: 15q21.1.
Variant type: single nucleotide variant.
Coding change: c.2443A>G on transcript NM_025137.4 (MANE Select); coding-DNA position 2443, A replaced by G.
Protein change: p.Arg815Gly; replaces arginine 815 with glycine.
Molecular consequence: missense variant.
Genome position (GRCh38, 1-based): chr15:44,622,221, T>C on the plus strand (A>G on the coding strand, the complement: SPG11 is on the minus strand). VCF-style: chr15-44622221-T-C. GRCh37 (hg19) VCF-style: chr15-44914419-T-C.
Other names: c.2443A>G, p.Arg815Gly (NM_001160227.2, NM_001411132.1); short protein forms R815G.
Identifiers: ClinVar variation 1704885 (VCV001704885.3), dbSNP rs1271477449, ClinGen allele CA392231812.